The following is an entry in ClinVar:

NM_001170629.2(CHD8):c.400C>T (p.Pro134Ser)

Gene: CHD8 (chromodomain helicase DNA binding protein 8; minus strand). Cytogenetic location: 14q11.2.
Variant type: single nucleotide variant.
Coding change: c.400C>T on transcript NM_001170629.2 (MANE Select); coding-DNA position 400, C replaced by T.
Protein change: p.Pro134Ser; replaces proline 134 with serine.
Molecular consequence: missense variant. On other transcripts: intron variant (1).
Genome position (GRCh38, 1-based): chr14:21,431,244, G>A on the plus strand (C>T on the coding strand, the complement: CHD8 is on the minus strand). VCF-style: chr14-21431244-G-A. GRCh37 (hg19) VCF-style: chr14-21899403-G-A.
Other names: c.6+567C>T (NM_020920.4); short protein forms P134S.
Identifiers: ClinVar variation 1700804 (VCV001700804.8), dbSNP rs763843295, ClinGen allele CA7091961.
Genomic context (GRCh38, chr14:21,431,244, plus strand): 5'-GAGGTGGCTGCCCTCCAGCACTACTGGAGGAGACAGCTGTGGCAGAGACACCCATGAAAG[G>A]ATTCCCTTGGCTCAGGATCTCCTGGCTCTTGGAGACTTGCAAAAGTCCTGATGTTGGCGT-3'
Protein context (NP_001164100.1, residues 124-144): KSQEILSQGN[Pro134Ser]FMGVSATAVS

ClinVar aggregate classification (germline): Conflicting classifications of pathogenicity. Review status: criteria provided, conflicting classifications (1 of 4 stars). 2 submissions from 2 submitters: Uncertain significance (1); Likely benign (1). Last evaluated 2025-01-06.

Allele frequency attached by ClinVar (database versions not stated): ExAC 0.00002; gnomAD 0.00002; gnomAD exomes 0.00002 and 0.00005; TOPMed 0.00002.

Submissions (2):

Labcorp Genetics (formerly Invitae), Labcorp
Classification: Likely benign. Last evaluated: 2025-01-06. Review status: criteria provided, single submitter. Criteria: Invitae Variant Classification Sherloc (09022015). Collection method: clinical testing. Allele origin: germline.

GeneDx
Classification: Uncertain significance. Last evaluated: 2023-10-31. Review status: criteria provided, single submitter. Criteria: GeneDx Variant Classification Process June 2021. Collection method: clinical testing. Allele origin: germline. Affected: yes.
Comment: In silico analysis supports that this missense variant has a deleterious effect on protein structure/function; Has not been previously published as pathogenic or benign to our knowledge